The following is an entry in ClinVar:

ClinVar aggregate classification (germline): Uncertain significance (1 of 4 stars; one submission).

Submission:

Labcorp Genetics (formerly Invitae), Labcorp
Classification: Uncertain significance. Last evaluated: 2025-07-29. Review status: criteria provided, single submitter. Criteria: Invitae Variant Classification Sherloc (09022015). Collection method: clinical testing. Allele origin: germline.
Comment: This sequence change replaces alanine, which is neutral and non-polar, with glutamic acid, which is acidic and polar, at codon 573 of the GRM1 protein (p.Ala573Glu). This variant is not present in population databases (gnomAD no frequency). This variant has not been reported in the literature in individuals affected with GRM1-related conditions. An algorithm developed to predict the effect of missense changes on protein structure and function (PolyPhen-2) suggests that this variant is likely to be tolerated. In summary, the available evidence is currently insufficient to determine the role of this variant in disease. Therefore, it has been classified as a Variant of Uncertain Significance.

NM_001278064.2(GRM1):c.1718C>A (p.Ala573Glu)

Gene: GRM1 (glutamate metabotropic receptor 1; plus strand). Cytogenetic location: 6q24.3.
Variant type: single nucleotide variant.
Coding change: c.1718C>A on transcript NM_001278064.2 (MANE Select); coding-DNA position 1718, C replaced by A.
Protein change: p.Ala573Glu; replaces alanine 573 with glutamic acid.
Molecular consequence: missense variant.
Genome position (GRCh38, 1-based): chr6:146,387,005, C>A. VCF-style: chr6-146387005-C-A. GRCh37 (hg19) VCF-style: chr6-146708141-C-A.
Other names: c.1718C>A, p.Ala573Glu (NM_001278065.2, NM_001278066.1, NM_001278067.1); short protein forms A573E.
Identifiers: ClinVar variation 4759872 (VCV004759872.1).